The following is an entry in ClinVar:

NM_000212.3(ITGB3):c.1646G>C (p.Cys549Ser)

Gene: ITGB3 (integrin subunit beta 3; plus strand). Cytogenetic location: 17q21.32.
Variant type: single nucleotide variant.
Coding change: c.1646G>C on transcript NM_000212.3 (MANE Select); coding-DNA position 1646, G replaced by C.
Protein change: p.Cys549Ser; replaces cysteine 549 with serine.
Molecular consequence: missense variant.
Genome position (GRCh38, 1-based): chr17:47,292,524, G>C. VCF-style: chr17-47292524-G-C. GRCh37 (hg19) VCF-style: chr17-45369890-G-C.
Other names: short protein forms C549S.
Identifiers: ClinVar variation 996174 (VCV000996174.3), dbSNP rs1395325049, ClinGen allele CA400030198.

ClinVar aggregate classification (germline): Likely pathogenic (3 of 4 stars; one submission).

Conditions:
Glanzmann thrombasthenia. Also called: Glanzmann's thrombasthenia; PLATELET GLYCOPROTEIN IIb-IIIa DEFICIENCY; BLEEDING DISORDER, PLATELET-TYPE, 2; THROMBASTHENIA OF GLANZMANN AND NAEGELI; Thrombasthenia. Identifiers: Orphanet 849, MedGen C0040015, MONDO:0100326.

Allele frequency attached by ClinVar (database versions not stated): gnomAD exomes below 0.00001.
gnomAD v4.1: 3 of 1,604,718 alleles (0.00019%); highest among the groups gnomAD compares: East Asian, 0.0067%; no homozygotes.

Submission:

ClinGen Platelet Disorders Variant Curation Expert Panel, ClinGen
Classification: Likely pathogenic for Glanzmann thrombasthenia. Last evaluated: 2024-03-07. Review status: reviewed by expert panel. Criteria: ClinGen Platelet ACMG Specifications v2-1. Collection method: curation. Allele origin: germline. Inheritance: Autosomal recessive inheritance.
Comment: The NM_000212.3(ITGB3):c.1646G>C (p.Cys549Ser) missense variant is reported in at least 2 compound heterozygous GT probands confirmed in trans with Pathogenic variant c.2113del and Likely Pathogenic variant Gln254Lys respectively (PM3). Both probands of PMID: 31088191 meet the criteria for PP4_Moderate; including mucocutaneous bleeding, and impaired aggregation with all agonists except ristocetin. Additionally, reduced surface expression of β3 was measured by flow cytometry at ~13% compared to normal. Co-segregation of compound heterozygous genotype Cys549Ser/Gln254Lys with disease was observed in the proband and one affected sibling (PMID: 31088191; PP1). It is found at an extremely low frequency with a MAF of 0.00005453 in the East Asian gnomADv2.1.1 population (PM2_Supporting) and it is predicted damaging by in-silico tools (REVEL score of 0.885; PP3). In summary, this variant meets criteria to be classified as Likely Pathogenic for GT. GT-specific criteria applied: PM2_Supporting, PM3, PP1, PP3, and PP4_Moderate.